The following is an entry in ClinVar:

ClinVar aggregate classification (germline): Uncertain significance (1 of 4 stars; one submission).

Conditions:
EGFR-related lung cancer (EGFR). Identifiers: MedGen CN130014.

Submission:

Labcorp Genetics (formerly Invitae), Labcorp
Classification: Uncertain significance for EGFR-related lung cancer. Last evaluated: 2025-12-08. Review status: criteria provided, single submitter. Criteria: Invitae Variant Classification Sherloc (09022015). Collection method: clinical testing. Allele origin: germline.
Comment: This sequence change replaces phenylalanine, which is neutral and non-polar, with leucine, which is neutral and non-polar, at codon 1176 of the EGFR protein (p.Phe1176Leu). This variant is not present in population databases (gnomAD no frequency). This variant has not been reported in the literature in individuals affected with EGFR-related conditions. ClinVar contains an entry for this variant (Variation ID: 2749187). An algorithm developed to predict the effect of missense changes on protein structure and function (PolyPhen-2) suggests that this variant is likely to be tolerated. In summary, the available evidence is currently insufficient to determine the role of this variant in disease. Therefore, it has been classified as a Variant of Uncertain Significance.

NM_005228.5(EGFR):c.3528C>G (p.Phe1176Leu)

Gene: EGFR (epidermal growth factor receptor; plus strand). Cytogenetic location: 7p11.2.
Variant type: single nucleotide variant.
Coding change: c.3528C>G on transcript NM_005228.5 (MANE Select); coding-DNA position 3528, C replaced by G.
Protein change: p.Phe1176Leu; replaces phenylalanine 1176 with leucine.
Molecular consequence: missense variant.
Genome position (GRCh38, 1-based): chr7:55,205,512, C>G. VCF-style: chr7-55205512-C-G. GRCh37 (hg19) VCF-style: chr7-55273205-C-G.
Other names: c.3393C>G, p.Phe1131Leu (NM_001346899.2); c.3369C>G, p.Phe1123Leu (NM_001346900.2); c.2727C>G, p.Phe909Leu (NM_001346941.2); short protein forms F1176L, F1131L, F1123L, F909L.
Identifiers: ClinVar variation 2749187 (VCV002749187.3), dbSNP rs2128975532, ClinGen allele CA367584827.